The following is an entry in ClinVar:

ClinVar aggregate classification (germline): Uncertain significance (1 of 4 stars; one submission).

Conditions:
Congenital heart defects, dysmorphic facial features, and intellectual developmental disorder (CHDFIDD). Identifiers: Orphanet 646278, MedGen C4479246, MONDO:0044302, OMIM 617360.

gnomAD v4.1: 1 of 1,242,066 alleles (0.000081%); no homozygotes.

Submission:

Baylor Genetics
Classification: Uncertain significance for Congenital heart defects, dysmorphic facial features, and intellectual developmental disorder. Last evaluated: 2019-11-15. Review status: criteria provided, single submitter. Criteria: ACMG Guidelines, 2015. Collection method: clinical testing. Allele origin: unknown. Affected: yes.
Comment: This variant was determined to be of uncertain significance according to ACMG Guidelines, 2015 [PMID:25741868].

NM_003718.5(CDK13):c.521C>G (p.Thr174Arg)

Gene: CDK13 (cyclin dependent kinase 13; plus strand). Cytogenetic location: 7p14.1.
Variant type: single nucleotide variant.
Coding change: c.521C>G on transcript NM_003718.5 (MANE Select); coding-DNA position 521, C replaced by G.
Protein change: p.Thr174Arg; replaces threonine 174 with arginine.
Molecular consequence: missense variant.
Genome position (GRCh38, 1-based): chr7:39,951,162, C>G. VCF-style: chr7-39951162-C-G. GRCh37 (hg19) VCF-style: chr7-39990761-C-G.
Other names: c.521C>G, p.Thr174Arg (NM_031267.4); short protein forms T174R.
Identifiers: ClinVar variation 1028150 (VCV001028150.1), dbSNP rs995209864, ClinGen allele CA367309910.